The following is an entry in ClinVar:

NM_000080.4(CHRNE):c.53G>C (p.Gly18Ala)

Genes: C17orf107 (chromosome 17 open reading frame 107; plus strand), CHRNE (cholinergic receptor nicotinic epsilon subunit; minus strand). Cytogenetic location: 17p13.2.
Variant type: single nucleotide variant.
Coding change: c.53G>C on transcript NM_000080.4 (MANE Select); coding-DNA position 53, G replaced by C.
Protein change: p.Gly18Ala; replaces glycine 18 with alanine.
Molecular consequence: missense variant. On other transcripts: 3 prime UTR variant (1).
Genome position (GRCh38, 1-based): chr17:4,902,757, C>G on the plus strand (G>C on the coding strand, the complement: CHRNE is on the minus strand). VCF-style: chr17-4902757-C-G. GRCh37 (hg19) VCF-style: chr17-4806052-C-G.
Other names: c.*2224C>G (NM_001145536.2); short protein forms G18A.
Identifiers: ClinVar variation 534251 (VCV000534251.11), dbSNP rs4790235, ClinGen allele CA8314612.

ClinVar aggregate classification (germline): Uncertain significance. Review status: criteria provided, multiple submitters, no conflicts (2 of 4 stars). 4 submissions from 4 submitters: Uncertain significance (2). 2 of the submissions do not count toward it. Last evaluated 2026-03-30.

Conditions:
Congenital myasthenic syndrome (CMS). Also called: Congenital Myasthenic Syndromes. Identifiers: Orphanet 590, MedGen C0751882, MeSH D020294, MONDO:0018940.
Congenital myasthenic syndrome 4A. Also called: Myasthenic syndrome, congenital, 4a, slow-channel; MYASTHENIC SYNDROME, CONGENITAL, 4A, SLOW-CHANNEL, AUTOSOMAL RECESSIVE; CONGENITAL MYASTHENIC SYNDROME TYPE Ia1. Identifiers: Orphanet 590, MedGen C4225413, MONDO:0011600, OMIM 605809.
CHRNE-related disorder. Also called: CHRNE-related condition.

gnomAD v4.1: 73 of 1,613,920 alleles (0.0045%); highest among the groups gnomAD compares: Non-Finnish European, 0.0062%; no homozygotes.

Submissions (5):

GeneDx
Classification: Uncertain significance. Last evaluated: 2026-03-30. Review status: criteria provided, single submitter. Criteria: GeneDx Variant Classification Process June 2021. Collection method: clinical testing. Allele origin: germline.
Comment: In silico analysis suggests that this missense variant does not alter protein structure/function; Has not been previously published as pathogenic or benign to our knowledge

Labcorp Genetics (formerly Invitae), Labcorp
Classification: Uncertain significance for Congenital myasthenic syndrome 4A. Last evaluated: 2025-11-17. Review status: criteria provided, single submitter. Criteria: Invitae Variant Classification Sherloc (09022015). Collection method: clinical testing. Allele origin: germline.
Comment: This sequence change replaces glycine, which is neutral and non-polar, with alanine, which is neutral and non-polar, at codon 18 of the CHRNE protein (p.Gly18Ala). This variant is present in population databases (rs4790235, gnomAD 0.005%). This variant has not been reported in the literature in individuals affected with CHRNE-related conditions. ClinVar contains an entry for this variant (Variation ID: 534251). Invitae Evidence Modeling of protein sequence and biophysical properties (such as structural, functional, and spatial information, amino acid conservation, physicochemical variation, residue mobility, and thermodynamic stability) indicates that this missense variant is not expected to disrupt CHRNE protein function with a negative predictive value of 95%. In summary, the available evidence is currently insufficient to determine the role of this variant in disease. Therefore, it has been classified as a Variant of Uncertain Significance.

PreventionGenetics, part of Exact Sciences
Classification: Uncertain significance for CHRNE-related condition. Last evaluated: 2024-04-02. Review status: no assertion criteria provided. Collection method: clinical testing. Allele origin: germline. Not counted in ClinVar's aggregate classification.
Comment: The CHRNE c.53G>C variant is predicted to result in the amino acid substitution p.Gly18Ala. To our knowledge, this variant has not been reported in the literature. This variant is reported in 0.0053% of alleles in individuals of European (Non-Finnish) descent in gnomAD. At this time, the clinical significance of this variant is uncertain due to the absence of conclusive functional and genetic evidence.

Natera, Inc.
Classification: Uncertain significance for Congenital myasthenic syndrome. Last evaluated: 2019-10-28. Review status: no assertion criteria provided. Collection method: clinical testing. Allele origin: germline. Not counted in ClinVar's aggregate classification.

Dr. Peter K. Rogan Lab, Western University
No classification provided (evidence only). Condition: Thyroid cancer, nonmedullary, 1. Review status: no classification provided. Collection method: in vitro. Allele origin: not applicable. Functional consequence: retained intron. Not counted in ClinVar's aggregate classification.